The following is an entry in ClinVar:

ClinVar aggregate classification (germline): Uncertain significance. Review status: criteria provided, multiple submitters, no conflicts (2 of 4 stars). 2 submissions from 2 submitters: Uncertain significance (2). Last evaluated 2023-10-13.

Conditions:
Properdin deficiency, X-linked (CFPD). Also called: COMPLEMENT FACTOR PROPERDIN DEFICIENCY; Properdin deficiency, type 1; PROPERDIN DEFICIENCY, TYPE I; PROPERDIN P FACTOR DEFICIENCY. Identifiers: Orphanet 2966, MedGen C1839454, MONDO:0010713, OMIM 312060.
Inborn genetic diseases. Identifiers: MedGen C0950123, MeSH D030342.

Allele frequency attached by ClinVar (database versions not stated): gnomAD 0.00001 and 0.00002; gnomAD exomes 0.00001 and 0.00002; TOPMed 0.00003.

Submissions (2):

Labcorp Genetics (formerly Invitae), Labcorp
Classification: Uncertain significance. Last evaluated: 2023-10-13. Review status: criteria provided, single submitter. Criteria: Invitae Variant Classification Sherloc (09022015). Collection method: clinical testing. Allele origin: germline.
Comment: This sequence change replaces glutamic acid, which is acidic and polar, with lysine, which is basic and polar, at codon 215 of the CFP protein (p.Glu215Lys). This variant is not present in population databases (gnomAD no frequency). This variant has not been reported in the literature in individuals affected with CFP-related conditions. ClinVar contains an entry for this variant (Variation ID: 1177511). Algorithms developed to predict the effect of missense changes on protein structure and function output the following: SIFT: "Not Available"; PolyPhen-2: "Benign"; Align-GVGD: "Not Available". The lysine amino acid residue is found in multiple mammalian species, which suggests that this missense change does not adversely affect protein function. In summary, the available evidence is currently insufficient to determine the role of this variant in disease. Therefore, it has been classified as a Variant of Uncertain Significance.

Ambry Genetics
Classification: Uncertain significance for Inborn genetic diseases. Last evaluated: 2022-05-25. Review status: criteria provided, single submitter. Criteria: Ambry Variant Classification Scheme 2023. Collection method: clinical testing. Allele origin: germline.

NM_001145252.3(CFP):c.643G>A (p.Glu215Lys)

Gene: CFP (complement factor properdin; minus strand). Cytogenetic location: Xp11.23.
Variant type: single nucleotide variant.
Coding change: c.643G>A on transcript NM_001145252.3 (MANE Select); coding-DNA position 643, G replaced by A.
Protein change: p.Glu215Lys; replaces glutamic acid 215 with lysine.
Molecular consequence: missense variant.
Genome position (GRCh38, 1-based): chrX:47,627,264, C>T on the plus strand (G>A on the coding strand, the complement: CFP is on the minus strand). VCF-style: chrX-47627264-C-T. GRCh37 (hg19) VCF-style: chrX-47486663-C-T.
Other names: c.643G>A, p.Glu215Lys (NM_002621.2); short protein forms E215K.
Identifiers: ClinVar variation 1177511 (VCV001177511.11), dbSNP rs1203449452, ClinGen allele CA412838265.